The following is an entry in ClinVar:

NM_000152.5(GAA):c.1408_1410del (p.Asn470del)

Gene: GAA (alpha glucosidase; plus strand). Cytogenetic location: 17q25.3.
Variant type: Deletion.
Coding change: c.1408_1410del on transcript NM_000152.5 (MANE Select); coding-DNA positions 1408 to 1410, 3 bases deleted (AAC; older notation c.1408_1410delAAC).
Protein change: p.Asn470del; deletes asparagine 470.
Molecular consequence: inframe deletion.
Genome position (GRCh38, 1-based): chr17:80,110,026-80,110,028, AAC deleted; deleting any 3 consecutive bases within chr17:80,110,025-80,110,028 gives the same sequence; the c. name uses the placement nearest the transcript's 3' end. VCF-style (leftmost placement, unchanged base first): chr17-80110024-CCAA-C. GRCh37 (hg19) VCF-style: chr17-78083823-CCAA-C.
Other names: c.1408_1410del (NM_000152.3); c.1408_1410del, p.Asn470del (NM_001079803.3, NM_001079804.3); c.1408_1410delAAC (NM_000152.4); short protein forms N470del.
Identifiers: ClinVar variation 932895 (VCV000932895.18), dbSNP rs748893499, ClinGen allele CA8815306.

ClinVar aggregate classification (germline): Pathogenic. Review status: reviewed by expert panel (3 of 4 stars). 7 submissions from 7 submitters: Pathogenic (1). 6 of the submissions do not count toward it. Last evaluated 2020-05-05.

Conditions:
Glycogen storage disease, type II (IOPD). Also called: Glycogen storage disease type 2; Acid maltase deficiency disease; Aglucosidase alfa; Deficiency of alpha-glucosidase; Deficiency of lysosomal alpha-glucosidase; Glucosidase acid-1,4-alpha deficiency. Identifiers: Orphanet 365, MedGen C0017921, MONDO:0009290, OMIM 232300.
GAA-related disorder. Also called: GAA-related condition.

Submissions (7):

ClinGen Lysosomal Storage Disorder Variant Curation Expert Panel
Classification: Pathogenic for Glycogen storage disease, type II. Last evaluated: 2020-05-05. Review status: reviewed by expert panel. Criteria: ClinGen LSD ACMG Specifications v1. Collection method: curation. Allele origin: germline. Inheritance: Autosomal recessive inheritance.
Comment: This variant, c.1408_1410del (p.Asn470del), results in an in frame deletion of a single amino acid in GAA, meeting PM4_Supporting. The highest population minor allele frequency in gnomAD v2.1.1 is 0.00005447 in the East Asian population, meeting PM2. This variant was found in two Spanish individuals with infantile-onset Pompe disease, who meet the ClinGen LSD VCEP's PP4 specifications, in compound heterozygosity with c.1222A>G (p.Met408Val) (PMIDs 11738358, 17616415). In one patient, the phase was confirmed in trans (PMID 11738358). This in trans data meets PM3. When expressed in COS-7 cells, this variant had 1.4% wild type GAA activity, meeting PS3 (PMID 19862843). PROVEAN and Mutation Taster predict that this variant is deleterious, meeting PP3. There is no ClinVar entry for this variant. In summary, this variant meets the criteria to be classified as a pathogenic variant for Pompe disease. GAA-specific ACMG/AMP criteria applied, as specified by the ClinGen LSD VCEP: PS3, PM2, PM3, PM4_Supporting, PP3, PP4.

Genomenon, Inc
Classification: Likely pathogenic for Glycogen storage disease, type II. Last evaluated: 2026-07-01. Review status: criteria provided, single submitter. Criteria: Genomenon Sequence Variant Interpretation Standards - Updated. Collection method: curation. Allele origin: germline. Affected: yes. Not counted in ClinVar's aggregate classification.
Comment: GAA p.Asn470del (c.1408_1410del) is an in-frame deletion that results in the loss of Asparagine at codon 470. This variant has been observed in at least one proband with a GAA-related disorder in the compound heterozygous and/or homozygous state (PMID:39802096;37414610;31899940;28458930;17616415;20157781). At least one functional study has demonstrated a substantial alteration in protein function relative to the wild-type (PMID:19862843). It is absent or not present at a significant frequency in gnomAD. In conclusion, we classify GAA p.Asn470del (c.1408_1410del) as a likely pathogenic variant.

Labcorp Genetics (formerly Invitae), Labcorp
Classification: Likely pathogenic for Glycogen storage disease, type II. Last evaluated: 2024-09-19. Review status: criteria provided, single submitter. Criteria: Invitae Variant Classification Sherloc (09022015). Collection method: clinical testing. Allele origin: germline. Not counted in ClinVar's aggregate classification.
Comment: This variant, c.1408_1410del, results in the deletion of 1 amino acid(s) of the GAA protein (p.Asn470del), but otherwise preserves the integrity of the reading frame. This variant is present in population databases (rs748893499, gnomAD 0.006%). This variant has been observed in individual(s) with Pompe disease (PMID: 11738358, 31086307, 34530085). In at least one individual the data is consistent with being in trans (on the opposite chromosome) from a pathogenic variant. ClinVar contains an entry for this variant (Variation ID: 932895). Algorithms developed to predict the effect of variants on gene product structure and function are not available or were not evaluated for this variant. Experimental studies have shown that this variant affects GAA function (PMID: 19862843). In summary, the currently available evidence indicates that the variant is pathogenic, but additional data are needed to prove that conclusively. Therefore, this variant has been classified as Likely Pathogenic.

Baylor Genetics
Classification: Pathogenic for Glycogen storage disease, type II. Last evaluated: 2023-09-19. Review status: criteria provided, single submitter. Criteria: ACMG Guidelines, 2015. Collection method: clinical testing. Allele origin: unknown. Not counted in ClinVar's aggregate classification.

Fulgent Genetics
Classification: Pathogenic for Glycogen storage disease, type II. Last evaluated: 2022-03-23. Review status: criteria provided, single submitter. Criteria: ACMG Guidelines, 2015. Collection method: clinical testing. Allele origin: unknown. Not counted in ClinVar's aggregate classification.

Revvity Omics, Revvity
Classification: Likely pathogenic. Last evaluated: 2020-04-20. Review status: criteria provided, single submitter. Criteria: ACMG Guidelines, 2015. Collection method: clinical testing. Allele origin: germline. Not counted in ClinVar's aggregate classification.

PreventionGenetics, part of Exact Sciences
Classification: Likely pathogenic for GAA-related condition. Last evaluated: 2024-08-08. Review status: no assertion criteria provided. Collection method: clinical testing. Allele origin: germline. Not counted in ClinVar's aggregate classification.
Comment: The GAA c.1408_1410delAAC variant is predicted to result in an in-frame deletion (p.Asn470del). This variant has been reported in the compound heterozygous state in an individual with glycogen storage disease 2, also known as Pompe disease (Patient 2, Fernandez-Hojas et al. 2002. PubMed ID: 11738358). This variant has also been reported in a comprehensive cohort of US children and adolescents with Pompe disease (Supplementary Table S3, Kishnani et al. 2019. PubMed ID: 31086307) and in a study of Spanish patients with Pompe disease (Amiñoso et al. 2021. PubMed ID: 34530085). This variant is reported in 0.0054% of alleles in individuals of East Asian descent in gnomAD. This variant is interpreted as likely pathogenic.

Literature cited by the submitters: PubMed 17616415 (cited by ClinGen Lysosomal Storage Disorder Variant Curation Expert Panel and Genomenon, Inc); PubMed 11738358 (cited by ClinGen Lysosomal Storage Disorder Variant Curation Expert Panel and Labcorp Genetics (formerly Invitae), Labcorp); PubMed 19862843 (cited by 3 submitters); PubMed 39802096 (cited by Genomenon, Inc); PubMed 37414610 (cited by Genomenon, Inc); PubMed 31899940 (cited by Genomenon, Inc); PubMed 28458930 (cited by Genomenon, Inc); PubMed 20157781 (cited by Genomenon, Inc); PubMed 31086307 (cited by Labcorp Genetics (formerly Invitae), Labcorp); PubMed 34530085 (cited by Labcorp Genetics (formerly Invitae), Labcorp).